The following is an entry in ClinVar:

NM_004863.4(SPTLC2):c.482+223T>A

Gene: SPTLC2 (serine palmitoyltransferase long chain base subunit 2; minus strand). Cytogenetic location: 14q24.3.
Variant type: single nucleotide variant.
Coding change: c.482+223T>A on transcript NM_004863.4 (MANE Select); 223 bases into the intron after coding-DNA position 482, T replaced by A.
Molecular consequence: intron variant.
Genome position (GRCh38, 1-based): chr14:77,578,732, A>T on the plus strand (T>A on the coding strand, the complement: SPTLC2 is on the minus strand). VCF-style: chr14-77578732-A-T. GRCh37 (hg19) VCF-style: chr14-78045075-A-T.
Identifiers: ClinVar variation 670135 (VCV000670135.2), dbSNP rs1997561, ClinGen allele CA13981218.

ClinVar aggregate classification (germline): Benign. Review status: criteria provided, multiple submitters, no conflicts (2 of 4 stars). 2 submissions from 2 submitters: Benign (2). Last evaluated 2018-06-19.

Allele frequency attached by ClinVar (database versions not stated): 1000 Genomes Project 0.29752; TOPMed 0.32818; gnomAD 0.34237 and 0.34363; gnomAD exomes 0.42343.
gnomAD v4.1: 184,535 of 463,602 alleles (40%); highest among the groups gnomAD compares: Non-Finnish European, 45%; 41,096 homozygotes.

Submissions (2):

GeneDx
Classification: Benign. Last evaluated: 2018-06-19. Review status: criteria provided, single submitter. Criteria: GeneDx Variant Classification (06012015). Collection method: clinical testing. Allele origin: germline. Affected: yes.
Comment: This variant is considered likely benign or benign based on one or more of the following criteria: it is a conservative change, it occurs at a poorly conserved position in the protein, it is predicted to be benign by multiple in silico algorithms, and/or has population frequency not consistent with disease.

Breakthrough Genomics
Classification: Benign. Review status: criteria provided, single submitter. Criteria: ACMG Guidelines, 2015. Collection method: not provided. Allele origin: germline. Inheritance: Autosomal dominant inheritance. Affected: yes.